The following is an entry in ClinVar:

NM_002485.5(NBN):c.1882G>A (p.Glu628Lys)

Genes: NBN (nibrin; minus strand), LOC126860438 (MED14-independent group 3 enhancer GRCh37_chr8:90959982-90961181; plus strand). Cytogenetic location: 8q21.3.
Variant type: single nucleotide variant.
Coding change: c.1882G>A on transcript NM_002485.5 (MANE Select); coding-DNA position 1882, G replaced by A.
Protein change: p.Glu628Lys; replaces glutamic acid 628 with lysine.
Molecular consequence: missense variant.
Genome position (GRCh38, 1-based): chr8:89,947,856, C>T on the plus strand (G>A on the coding strand, the complement: NBN is on the minus strand). VCF-style: chr8-89947856-C-T. GRCh37 (hg19) VCF-style: chr8-90960084-C-T.
Other names: p.E628K:GAA>AAA; NP_002476.2:p.Glu628Lys; c.1636G>A, p.Glu546Lys (NM_001024688.3); short protein forms E628K, E546K.
Identifiers: ClinVar variation 132690 (VCV000132690.67), dbSNP rs115321485, ClinGen allele CA294275.

ClinVar aggregate classification (germline): Benign/Likely benign. Review status: criteria provided, multiple submitters, no conflicts (2 of 4 stars). 21 submissions from 20 submitters: Benign (11); Likely benign (7). 3 of the submissions do not count toward it. Last evaluated 2026-04-01.

Conditions:
Acute lymphoid leukemia (ALL). Also called: Leukemia, acute lymphoblastic, somatic; Acute lymphoblastic leukemia; Acute lymphocytic leukemia; Lymphoblastic leukemia. Identifiers: Orphanet 513, MedGen C0023449, MONDO:0004967, OMIM 613065, HP:0006721.
Aplastic anemia. Identifiers: Orphanet 182040, Orphanet 88, MedGen C0002874, MONDO:0015909, OMIM 609135, HP:0001915.
Microcephaly, normal intelligence and immunodeficiency (NBS). Also called: Immunodeficiency, microcephaly with normal intelligence; Ataxia telangiectasia variant V1; IMMUNODEFICIENCY, MICROCEPHALY, AND CHROMOSOMAL INSTABILITY; SEEMANOVA SYNDROME II; Nijmegen breakage syndrome; Microcephaly with normal intelligence immunodeficiency and lymphoreticular malignancies. Identifiers: Orphanet 647, MedGen C0398791, MONDO:0009623, OMIM 251260.
Hereditary cancer-predisposing syndrome. Also called: Tumor predisposition; Hereditary neoplastic syndrome; Neoplastic Syndromes, Hereditary; Hereditary Cancer Syndrome. Identifiers: Orphanet 140162, MedGen C0027672, MeSH D009386, MONDO:0015356.
Hereditary breast ovarian cancer syndrome. Also called: Hereditary breast and ovarian cancer syndrome (HBOC); Hereditary breast and ovarian cancer; Hereditary breast and ovarian cancer syndrome; Breast and ovarian cancer; Hereditary breast and/or ovarian cancer syndrome; BRCA1- and BRCA2-Associated Hereditary Breast and Ovarian Cancer. Identifiers: Orphanet 145, MedGen C0677776, MeSH D061325, MONDO:0003582. Disease mechanism: loss of function.

Allele frequency attached by ClinVar (database versions not stated): gnomAD exomes 0.00090; ExAC 0.00186; ESP Exome Variant Server 0.00347; 1000 Genomes Project 0.00419; 1000 Genomes Project 30x 0.00422; gnomAD 0.00431 and 0.00466; TOPMed 0.00482.
gnomAD v4.1: 1,241 of 1,582,686 alleles (0.078%); highest among the groups gnomAD compares: African/African-American, 1.5%; 7 homozygotes.

Submissions (21):

CeGaT Center for Human Genetics Tuebingen
Classification: Likely benign. Last evaluated: 2026-04-01. Review status: criteria provided, single submitter. Criteria: CeGaT Center For Human Genetics Tuebingen Variant Classification Criteria Version 2. Collection method: clinical testing. Allele origin: germline. Affected: yes. Observed: 6 variant alleles.
Comment: NBN: BP4, BS1

Labcorp Genetics (formerly Invitae), Labcorp
Classification: Benign for Microcephaly, normal intelligence and immunodeficiency. Last evaluated: 2026-02-01. Review status: criteria provided, single submitter. Criteria: Invitae Variant Classification Sherloc (09022015). Collection method: clinical testing. Allele origin: germline.

Dasa
Classification: Benign. Last evaluated: 2025-11-03. Review status: criteria provided, single submitter. Criteria: DASA Assertion Criteria. Collection method: clinical testing. Allele origin: germline.
Comment: NM_002485.5(NBN):c.1882G>A (p.Glu628Lys) is a missense variant that results in the substitution of glutamic acid with lysine. Population frequency is inconsistent with a disease-causing role for this variant, and observations in unaffected individuals support a benign interpretation. Computational prediction algorithms are consistent with a benign effect. Therefore, based on the currently available evidence, this variant is classified as benign.

ARUP Laboratories, Molecular Genetics and Genomics, ARUP Laboratories
Classification: Likely benign. Last evaluated: 2025-05-23. Review status: criteria provided, single submitter. Criteria: ARUP Molecular Germline Variant Investigation Process 2024. Collection method: clinical testing. Allele origin: germline.

KCCC/NGS Laboratory, Kuwait Cancer Control Center
Classification: Benign for Microcephaly, normal intelligence and immunodeficiency. Last evaluated: 2025-02-01. Review status: criteria provided, single submitter. Criteria: ACMG Guidelines, 2015. Collection method: clinical testing. Allele origin: germline. Affected: no.

Blueprint Genetics
Classification: Likely benign. Last evaluated: 2024-10-24. Review status: criteria provided, single submitter. Criteria: ACMG Guidelines, 2015. Collection method: clinical testing. Allele origin: germline.

KCCC/NGS Laboratory, Kuwait Cancer Control Center
Classification: Benign for Acute lymphoid leukemia. Last evaluated: 2023-07-07. Review status: criteria provided, single submitter. Criteria: ACMG Guidelines, 2015. Collection method: clinical testing. Allele origin: germline. Affected: yes.

Quest Diagnostics Nichols Institute San Juan Capistrano
Classification: Benign. Last evaluated: 2022-08-15. Review status: criteria provided, single submitter. Criteria: Quest Diagnostics criteria. Collection method: clinical testing. Allele origin: unknown.

National Health Laboratory Service, Universitas Academic Hospital and University of the Free State
Classification: Likely benign for Hereditary breast ovarian cancer syndrome. Last evaluated: 2022-04-19. Review status: criteria provided, single submitter. Criteria: ACMG Guidelines, 2015. Collection method: clinical testing. Allele origin: germline. Affected: yes. Observed: 17 variant alleles.

Fulgent Genetics
Classification: Likely benign for Microcephaly, normal intelligence and immunodeficiency; Aplastic anemia; Acute lymphoid leukemia. Last evaluated: 2022-03-31. Review status: criteria provided, single submitter. Criteria: ACMG Guidelines, 2015. Collection method: clinical testing. Allele origin: unknown.

Women's Health and Genetics/Laboratory Corporation of America, LabCorp
Classification: Benign. Last evaluated: 2021-04-24. Review status: criteria provided, single submitter. Criteria: LabCorp Variant Classification Summary - May 2015. Collection method: clinical testing. Allele origin: germline.
Comment: Variant summary: NBN c.1882G>A (p.Glu628Lys) results in a conservative amino acid change in the encoded protein sequence. Five of five in-silico tools predict a benign effect of the variant on protein function. The variant allele was found at a frequency of 0.00088 in 241282 control chromosomes, predominantly at a frequency of 0.012 within the African or African-American subpopulation in the gnomAD database. The observed variant frequency within African or African-American control individuals in the gnomAD database is approximately 96 fold of the estimated maximal expected allele frequency for a pathogenic variant in NBN causing Hereditary Breast And Ovarian Cancer Syndrome phenotype (0.00013), strongly suggesting that the variant is a benign polymorphism found primarily in populations of African or African-American origin. c.1882G>A has been reported in the literature in individuals who underwent testing for Hereditary Breast and Ovarian Cancer and/or Lynch Syndrome, without strong evidence for causality (examples- Haiman_2013, Yorczyk_2015, Yurgelun_2015, Tung_2015). These report(s) do not provide unequivocal conclusions about association of the variant with Hereditary Breast And Ovarian Cancer Syndrome. To our knowledge, no experimental evidence demonstrating an impact on protein function has been reported. Eight clinical diagnostic laboratories have submitted clinical-significance assessments for this variant to ClinVar after 2014 without evidence for independent evaluation. All laboratories classified the variant as benign (n=5)/likely benign (n=3). Based on the evidence outlined above, the variant was classified as benign.

Department of Pathology and Laboratory Medicine, Sinai Health System
Classification: Likely benign for Microcephaly, normal intelligence and immunodeficiency; Aplastic anemia; Acute lymphoid leukemia. Last evaluated: 2019-11-14. Review status: criteria provided, single submitter. Criteria: ACMG Guidelines, 2015. Collection method: clinical testing. Allele origin: germline. Affected: yes.

Illumina Laboratory Services, Illumina
Classification: Benign for Microcephaly, normal intelligence and immunodeficiency. Last evaluated: 2017-04-28. Review status: criteria provided, single submitter. Criteria: ICSL Variant Classification Criteria 13 December 2019. Collection method: clinical testing. Allele origin: germline.
Comment: This variant was observed as part of a predisposition screen in an ostensibly healthy population. A literature search was performed for the gene, cDNA change, and amino acid change (where applicable). Publications were found based on this search. The evidence from the literature, in combination with allele frequency data from public databases where available, was sufficient to rule this variant out of causing disease. Therefore, this variant is classified as benign.

PreventionGenetics, part of Exact Sciences
Classification: Benign. Last evaluated: 2016-11-22. Review status: criteria provided, single submitter. Criteria: ACMG Guidelines, 2015. Collection method: clinical testing. Allele origin: germline.

Center for Pediatric Genomic Medicine, Children's Mercy Hospital and Clinics
Classification: Likely benign. Last evaluated: 2015-12-22. Review status: criteria provided, single submitter. Criteria: ACMG Guidelines, 2015. Collection method: clinical testing. Allele origin: germline.
ClinVar note: Converted during submission from Likely Benign to Likely benign.

Color Diagnostics, LLC DBA Color Health
Classification: Benign for Hereditary cancer-predisposing syndrome. Last evaluated: 2015-07-23. Review status: criteria provided, single submitter. Criteria: ACMG Guidelines, 2015. Collection method: clinical testing. Allele origin: germline.

Ambry Genetics
Classification: Benign for Hereditary cancer-predisposing syndrome. Last evaluated: 2014-12-02. Review status: criteria provided, single submitter. Criteria: Ambry Variant Classification Scheme 2023. Collection method: clinical testing. Allele origin: germline.

GeneDx
Classification: Benign. Last evaluated: 2014-01-02. Review status: criteria provided, single submitter. Criteria: GeneDx Variant Classification (06012015). Collection method: clinical testing. Allele origin: germline. Affected: yes.
Comment: This variant is considered likely benign or benign based on one or more of the following criteria: it is a conservative change, it occurs at a poorly conserved position in the protein, it is predicted to be benign by multiple in silico algorithms, and/or has population frequency not consistent with disease.

Clinical Genetics DNA and cytogenetics Diagnostics Lab, Erasmus MC, Erasmus Medical Center
Classification: Benign. Review status: no assertion criteria provided. Collection method: clinical testing. Allele origin: germline. Affected: yes. Study: VKGL Data-share Consensus. Not counted in ClinVar's aggregate classification.

Genome Diagnostics Laboratory, Amsterdam University Medical Center
Classification: Benign. Review status: no assertion criteria provided. Collection method: clinical testing. Allele origin: germline. Affected: yes. Study: VKGL Data-share Consensus. Not counted in ClinVar's aggregate classification.

Genome Diagnostics Laboratory, University Medical Center Utrecht
Classification: Likely benign. Review status: no assertion criteria provided. Collection method: clinical testing. Allele origin: germline. Affected: yes. Study: VKGL Data-share Consensus. Not counted in ClinVar's aggregate classification.

Literature cited by the submitters: PubMed 25318351 (cited by 4 submitters); PubMed 25980754 (cited by 3 submitters); PubMed 25186627 (cited by Quest Diagnostics Nichols Institute San Juan Capistrano and Women's Health and Genetics/Laboratory Corporation of America, LabCorp); PubMed 33471991 (cited by Quest Diagnostics Nichols Institute San Juan Capistrano); PubMed 26315354 (cited by 3 submitters); PubMed 23555315 (cited by Women's Health and Genetics/Laboratory Corporation of America, LabCorp and Illumina Laboratory Services, Illumina).